The following is an entry in ClinVar:

ClinVar aggregate classification (germline): Uncertain significance (1 of 4 stars; one submission).

Submission:

Labcorp Genetics (formerly Invitae), Labcorp
Classification: Uncertain significance. Last evaluated: 2022-03-19. Review status: criteria provided, single submitter. Criteria: Invitae Variant Classification Sherloc (09022015). Collection method: clinical testing. Allele origin: germline.
Comment: In summary, the available evidence is currently insufficient to determine the role of this variant in disease. Therefore, it has been classified as a Variant of Uncertain Significance. Advanced modeling of protein sequence and biophysical properties (such as structural, functional, and spatial information, amino acid conservation, physicochemical variation, residue mobility, and thermodynamic stability) performed at Invitae indicates that this missense variant is not expected to disrupt PHEX protein function. This variant has not been reported in the literature in individuals affected with PHEX-related conditions. This variant is not present in population databases (gnomAD no frequency). This sequence change replaces glycine, which is neutral and non-polar, with tryptophan, which is neutral and slightly polar, at codon 178 of the PHEX protein (p.Gly178Trp).

NM_000444.6(PHEX):c.532G>T (p.Gly178Trp)

Gene: PHEX (phosphate regulating endopeptidase X-linked; plus strand). Cytogenetic location: Xp22.11.
Variant type: single nucleotide variant.
Coding change: c.532G>T on transcript NM_000444.6 (MANE Select); coding-DNA position 532, G replaced by T.
Protein change: p.Gly178Trp; replaces glycine 178 with tryptophan.
Molecular consequence: missense variant.
Genome position (GRCh38, 1-based): chrX:22,077,571, G>T. VCF-style: chrX-22077571-G-T. GRCh37 (hg19) VCF-style: chrX-22095689-G-T.
Other names: c.532G>T, p.Gly178Trp (NM_001282754.2); short protein forms G178W.
Identifiers: ClinVar variation 2114575 (VCV002114575.4), dbSNP rs2519754226, ClinGen allele CA412571424.
Genomic context (GRCh38, chrX:22,077,571, plus strand): 5'-CACATCCTACGGCATTCACCTTTCCGCTGGCCCGTGCTTGAATCTAATATTGGCCCTGAA[G>T]GGGTTTGGTCAGAGAGAAAGTTCAGCCTTCTGCAGACACTTGCAACGTTTCGTGGTCAAT-3'
Protein context (NP_000435.3, residues 168-188): PVLESNIGPE[Gly178Trp]VWSERKFSLL